The following is an entry in ClinVar:

ClinVar aggregate classification (germline): Pathogenic (1 of 4 stars; one submission).

Submission:

Labcorp Genetics (formerly Invitae), Labcorp
Classification: Pathogenic. Last evaluated: 2025-07-21. Review status: criteria provided, single submitter. Criteria: Invitae Variant Classification Sherloc (09022015). Collection method: clinical testing. Allele origin: germline.
Comment: This sequence change creates a premature translational stop signal (p.Asn808Argfs*12) in the C6 gene. It is expected to result in an absent or disrupted protein product. Loss-of-function variants in C6 are known to be pathogenic (PMID: 17257682). This variant is not present in population databases (gnomAD no frequency). This variant has not been reported in the literature in individuals affected with C6-related conditions. ClinVar contains an entry for this variant (Variation ID: 2985079). For these reasons, this variant has been classified as Pathogenic.

Literature cited by the submitters: PubMed 17257682.

NM_000065.5(C6):c.2416_2422dup (p.Asn808fs)

Gene: C6 (complement C6; minus strand). Cytogenetic location: 5p13.1.
Variant type: Duplication.
Coding change: c.2416_2422dup on transcript NM_000065.5 (MANE Select); coding-DNA positions 2416 to 2422, 7 bases duplicated (GACTCCA; older notation c.2416_2422dupGACTCCA).
Protein change: p.Asn808fs; shifts the reading frame from asparagine 808.
Molecular consequence: frameshift variant.
Genome position (GRCh38, 1-based): chr5:41,149,442-41,149,448, TGGAGTC duplicated on the plus strand (GACTCCA on the coding strand, the reverse complement: C6 is on the minus strand); duplicating any 7 consecutive bases within chr5:41,149,442-41,149,450 gives the same sequence; the c. name uses the placement nearest the transcript's 3' end. VCF-style (leftmost placement, unchanged base first): chr5-41149441-T-TTGGAGTC. GRCh37 (hg19) VCF-style: chr5-41149543-T-TTGGAGTC.
Other names: c.2416_2422dup, p.Asn808fs (NM_001115131.4); short protein forms N808fs.
Identifiers: ClinVar variation 2985079 (VCV002985079.3), dbSNP rs2478197098, ClinGen allele CA2740091720.